The following is an entry in ClinVar:

ClinVar aggregate classification (germline): Likely pathogenic (1 of 4 stars; one submission).

Conditions:
Medium-chain acyl-coenzyme A dehydrogenase deficiency (ACADMD). Also called: ACADM DEFICIENCY; CARNITINE DEFICIENCY SECONDARY TO MEDIUM-CHAIN ACYL-CoA DEHYDROGENASE DEFICIENCY; Medium chain acyl-CoA dehydrogenase deficiency; MCADH DEFICIENCY; MCADD; MCAD Deficiency. Identifiers: Orphanet 42, MedGen C0220710, MONDO:0008721, OMIM 201450.

Submission:

Natera, Inc.
Classification: Likely pathogenic for Medium Chain Acyl-CoA Dehydrogenase Deficiency. Last evaluated: 2024-09-16. Review status: criteria provided, single submitter. Criteria: Natera Variant Classification Schema (03/2026). Collection method: clinical testing. Allele origin: germline.
Comment: The c.85C>A variant in ACADM is a synonymous variant that does not alter the encoded amino acid at position 29 (p.R29=). This variant is rare in the general population with a frequency below the threshold expected for the associated phenotype(s). This variant has been observed in one or more individuals affected with the associated recessive disease, as either homozygous or compound heterozygous with a second variant (PMID: 33580884, 21083904). This variant has been identified in one or more affected individual with a phenotype highly consistent with the associated gene (PMID: 33580884, 21083904). Functional studies show that this variant may disrupt protein function (PMID: 38324470). Given the available evidence, this variant is classified as Likely Pathogenic.

Literature cited by the submitters: PubMed 33580884; PubMed 21083904; PubMed 38324470.

NM_000016.6(ACADM):c.85C>A (p.Arg29=)

Gene: ACADM (acyl-CoA dehydrogenase medium chain; plus strand). Cytogenetic location: 1p31.1.
Variant type: single nucleotide variant.
Coding change: c.85C>A on transcript NM_000016.6 (MANE Select); coding-DNA position 85, C replaced by A.
Protein change: p.Arg29=; no amino-acid change (arginine 29 retained).
Molecular consequence: synonymous variant. On other transcripts: intron variant (2).
Genome position (GRCh38, 1-based): chr1:75,728,455, C>A. VCF-style: chr1-75728455-C-A. GRCh37 (hg19) VCF-style: chr1-76194140-C-A.
Other names: c.97C>A, p.Arg33= (NM_001127328.3); c.85C>A, p.Arg29= (NM_001286043.2); c.10+3638C>A (NM_001286042.2); c.-268+3638C>A (NM_001286044.2).
Identifiers: ClinVar variation 4816528 (VCV004816528.1).